The following is an entry in ClinVar:

NM_000051.4(ATM):c.3576+4T>C

Gene: ATM (ATM serine/threonine kinase; plus strand). Cytogenetic location: 11q22.3.
Variant type: single nucleotide variant.
Coding change: c.3576+4T>C on transcript NM_000051.4 (MANE Select); 4 bases into the intron after coding-DNA position 3576, T replaced by C.
Molecular consequence: intron variant.
Genome position (GRCh38, 1-based): chr11:108,281,172, T>C. VCF-style: chr11-108281172-T-C. GRCh37 (hg19) VCF-style: chr11-108151899-T-C.
Other names: c.3576+4T>C (NM_001351834.2).
Identifiers: ClinVar variation 645692 (VCV000645692.8), dbSNP rs1591637164, ClinGen allele CA915944399.
Genomic context (GRCh38, chr11:108,281,172, plus strand): 5'-TTTGCCCTGTGTAAATCTGTGAAAGAGAATGGATTAGAACCTCACCTTGTGAAAAAGGTA[T>C]ATATGGATGAGTATTTTATTAGAAGCTTCCTTAGGTCACTGTGAAATAATTTAAAAAGTT-3'

ClinVar aggregate classification (germline): Uncertain significance (1 of 4 stars; one submission).

Conditions:
Ataxia-telangiectasia syndrome (AT). Also called: LOUIS-BAR SYNDROME; Ataxia-telangiectasia, complementation group E; Ataxia-telangiectasia, complementation group D; AT, COMPLEMENTATION GROUP C; Ataxia telangiectasia (A-T); Cerebello-oculocutaneous telangiectasia. Identifiers: Orphanet 100, MedGen C0004135, MONDO:0008840, OMIM 208900.

Submission:

Labcorp Genetics (formerly Invitae), Labcorp
Classification: Uncertain significance for Ataxia-telangiectasia syndrome. Last evaluated: 2018-07-05. Review status: criteria provided, single submitter. Criteria: Invitae Variant Classification Sherloc (09022015). Collection method: clinical testing. Allele origin: germline.
Comment: In summary, the available evidence is currently insufficient to determine the role of this variant in disease. Therefore, it has been classified as a Variant of Uncertain Significance. Nucleotide substitutions within the consensus splice site are a relatively common cause of aberrant splicing (PMID: 17576681, 9536098). Algorithms developed to predict the effect of sequence changes on RNA splicing suggest that this variant is not likely to affect RNA splicing, but this prediction has not been confirmed by published transcriptional studies. This variant has not been reported in the literature in individuals with ATM-related disease. This variant is not present in population databases (ExAC no frequency). This sequence change falls in intron 24 of the ATM gene. It does not directly change the encoded amino acid sequence of the ATM protein, but it affects a nucleotide within the consensus splice site of the intron.

Literature cited by the submitters: PubMed 17576681; PubMed 9536098.